The following is an entry in ClinVar:

NM_002074.5(GNB1):c.303G>A (p.Met101Ile)

Gene: GNB1 (G protein subunit beta 1; minus strand). Cytogenetic location: 1p36.33.
Variant type: single nucleotide variant.
Coding change: c.303G>A on transcript NM_002074.5 (MANE Select); coding-DNA position 303, G replaced by A.
Protein change: p.Met101Ile; replaces methionine 101 with isoleucine.
Molecular consequence: missense variant. On other transcripts: initiator codon variant (1).
Genome position (GRCh38, 1-based): chr1:1,804,546, C>T on the plus strand (G>A on the coding strand, the complement: GNB1 is on the minus strand). VCF-style: chr1-1804546-C-T. GRCh37 (hg19) VCF-style: chr1-1735985-C-T.
Other names: c.3G>A, p.Met1Ile (NM_001282538.2); c.303G>A, p.Met101Ile (NM_001282539.2); short protein forms M101I, M1I.
Identifiers: ClinVar variation 2002475 (VCV002002475.5), dbSNP rs2522750083, ClinGen allele CA337915263.
Genomic context (GRCh38, chr1:1,804,546, plus strand): 5'-GCAAATGTTATCCAGGCCACCGCAGGCCACATAGTTCCCAGAAGGGGCATATGCACAGGT[C>T]ATGACCCAGGAGGAGCGCAGAGGGATGGCGTGGACCTAATGACAGAAAGACAGATGATGC-3'
Protein context (NP_002065.1, residues 91-111): HAIPLRSSWV[Met101Ile]TCAYAPSGNY

ClinVar aggregate classification (germline): Uncertain significance (1 of 4 stars; one submission).

Submission:

Labcorp Genetics (formerly Invitae), Labcorp
Classification: Uncertain significance. Last evaluated: 2022-06-05. Review status: criteria provided, single submitter. Criteria: Invitae Variant Classification Sherloc (09022015). Collection method: clinical testing. Allele origin: germline.
Comment: In summary, the available evidence is currently insufficient to determine the role of this variant in disease. Therefore, it has been classified as a Variant of Uncertain Significance. This variant disrupts the p.Met101 amino acid residue in GNB1. Other variant(s) that disrupt this residue have been determined to be pathogenic (PMID: 27108799). This suggests that this residue is clinically significant, and that variants that disrupt this residue are likely to be disease-causing. Algorithms developed to predict the effect of missense changes on protein structure and function (SIFT, PolyPhen-2, Align-GVGD) all suggest that this variant is likely to be tolerated. This variant has not been reported in the literature in individuals affected with GNB1-related conditions. This variant is not present in population databases (gnomAD no frequency). This sequence change replaces methionine, which is neutral and non-polar, with isoleucine, which is neutral and non-polar, at codon 101 of the GNB1 protein (p.Met101Ile).

Literature cited by the submitters: PubMed 27108799.